The following is an entry in ClinVar:

NM_006158.5(NEFL):c.338_339delinsCC (p.Gln113Pro)

Gene: NEFL (neurofilament light chain; minus strand). Cytogenetic location: 8p21.2.
Variant type: Indel.
Coding change: c.338_339delinsCC on transcript NM_006158.5 (MANE Select); coding-DNA positions 338 to 339, AG replaced by CC.
Protein change: p.Gln113Pro; replaces glutamine 113 with proline.
Molecular consequence: missense variant.
Genome position (GRCh38, 1-based): chr8:24,956,177-24,956,178, CT replaced by GG on the plus strand (AG replaced by CC on the coding strand, the reverse complement: NEFL is on the minus strand). VCF-style: chr8-24956177-CT-GG. GRCh37 (hg19) VCF-style: chr8-24813691-CT-GG.
Other names: c.338_339delinsCC (NM_006158.3); c.338_339delAGinsCC (NM_006158.4); short protein forms Q113P.
Identifiers: ClinVar variation 464926 (VCV000464926.23), dbSNP rs1554497641, ClinGen allele CA658657751.

ClinVar aggregate classification (germline): Conflicting classifications of pathogenicity. Review status: criteria provided, conflicting classifications (1 of 4 stars). 6 submissions from 6 submitters: Uncertain significance (3); Benign (1); Likely benign (2). Last evaluated 2026-01-20.

Conditions:
Charcot-Marie-Tooth disease type 2E (CMT2E). Also called: CHARCOT-MARIE-TOOTH DISEASE, AXONAL, TYPE 2E; CHARCOT-MARIE-TOOTH NEUROPATHY, TYPE 2E. Identifiers: Orphanet 99939, MedGen C1843225, MONDO:0011894, OMIM 607684.
Charcot-Marie-Tooth disease, dominant intermediate G. Identifiers: MedGen C4693509, MONDO:0036484, OMIM 617882.
Charcot-Marie-Tooth disease type 1F. Also called: Charcot-Marie-Tooth disease, demyelinating, type 1f; CHARCOT-MARIE-TOOTH NEUROPATHY, TYPE 1F. Identifiers: Orphanet 101085, MedGen C1843164, MONDO:0011902, OMIM 607734.
Inborn genetic diseases. Identifiers: MedGen C0950123, MeSH D030342.
Charcot-Marie-Tooth disease. Also called: Charcot-Marie-Tooth Neuropathy; Charcot-Marie-Tooth Hereditary Neuropathy. Identifiers: Orphanet 166, MedGen C0007959, MONDO:0015626.

Submissions (6):

Labcorp Genetics (formerly Invitae), Labcorp
Classification: Likely benign for Charcot-Marie-Tooth disease type 2E. Last evaluated: 2026-01-20. Review status: criteria provided, single submitter. Criteria: Invitae Variant Classification Sherloc (09022015). Collection method: clinical testing. Allele origin: germline.

GeneDx
Classification: Uncertain significance. Last evaluated: 2025-11-26. Review status: criteria provided, single submitter. Criteria: GeneDx Variant Classification Process June 2021. Collection method: clinical testing. Allele origin: germline. Affected: yes.
Comment: Reported as a homozygous variant of uncertain significance in an individual with childhood-onset focal dystonia (PMID: 31628766); In silico analysis supports a deleterious effect on protein structure/function; This variant is associated with the following publications: (PMID: 25614874, 32376792, 31628766)

Athena Diagnostics
Classification: Benign. Last evaluated: 2025-08-15. Review status: criteria provided, single submitter. Criteria: Athena Diagnostics Criteria. Collection method: clinical testing. Allele origin: unknown.
Comment: The frequency of this variant in the general population is higher than would generally be expected for pathogenic variants in this gene. This variant has been seen where an alternate explanation for disease was also identified.

Fulgent Genetics
Classification: Uncertain significance for Charcot-Marie-Tooth disease type 2E; Charcot-Marie-Tooth disease type 1F; Charcot-Marie-Tooth disease, dominant intermediate G. Last evaluated: 2024-02-02. Review status: criteria provided, single submitter. Criteria: ACMG Guidelines, 2015. Collection method: clinical testing. Allele origin: germline.

Ambry Genetics
Classification: Likely benign for Inborn genetic diseases. Last evaluated: 2022-03-08. Review status: criteria provided, single submitter. Criteria: Ambry Variant Classification Scheme 2023. Collection method: clinical testing. Allele origin: germline.

Molecular Genetics Laboratory, London Health Sciences Centre
Classification: Uncertain significance for Charcot-Marie-Tooth disease. Review status: criteria provided, single submitter. Criteria: ACMG Guidelines, 2015. Collection method: clinical testing. Allele origin: germline. Affected: yes.

Literature cited by the submitters: PubMed 25614874 (cited by Athena Diagnostics); PubMed 31628766 (cited by Athena Diagnostics).